The following is an entry in ClinVar:

ClinVar aggregate classification (germline): Benign. Review status: criteria provided, multiple submitters, no conflicts (2 of 4 stars). 12 submissions from 10 submitters: Benign (9). 3 of the submissions do not count toward it. Last evaluated 2026-02-04.

Conditions:
Muscular dystrophy-dystroglycanopathy (congenital with brain and eye anomalies), type A1 (MDDGA1). Also called: COD-MD SYNDROME; WALKER-WARBURG SYNDROME OR MUSCLE-EYE-BRAIN DISEASE, POMT1-RELATED; Hydrocephalus, agyria and retinal dysplasia; Hard +/- E syndrome; Warburg syndrome; Chemke syndrome. Identifiers: Orphanet 588, Orphanet 899, MedGen C4284790, MONDO:0009364, OMIM 236670.
Walker-Warburg congenital muscular dystrophy. Also called: Muscular dystrophy-dystroglycanopathy, type A; Walker-Warburg syndrome. Identifiers: Orphanet 899, MedGen C0265221, MONDO:0000171.
Muscular dystrophy-dystroglycanopathy (congenital with impaired intellectual development), type B, 1. Also called: Muscular dystrophy-dystroglycanopathy (congenital with intellectual disability), type B1; MUSCULAR DYSTROPHY, CONGENITAL, POMT1-RELATED. Identifiers: MedGen C5436962, MONDO:0013159, OMIM 613155.
Autosomal recessive limb-girdle muscular dystrophy type 2K. Also called: MUSCULAR DYSTROPHY, LIMB-GIRDLE, TYPE 2K; MUSCULAR DYSTROPHY-DYSTROGLYCANOPATHY (LIMB-GIRDLE), TYPE C, 1. Identifiers: Orphanet 86812, MedGen C1836373, MONDO:0012248, OMIM 609308.

Allele frequency attached by ClinVar (database versions not stated): 1000 Genomes Project 0.09405; 1000 Genomes Project 30x 0.10087; gnomAD exomes 0.11588 and 0.13160; ExAC 0.12521; TOPMed 0.12956; gnomAD 0.13870 and 0.14451; ESP Exome Variant Server 0.14032.
gnomAD v4.1: 212,652 of 1,612,492 alleles (13%); highest among the groups gnomAD compares: African/African-American, 15%; 15,303 homozygotes.

Submissions (12):

Labcorp Genetics (formerly Invitae), Labcorp
Classification: Benign for Muscular dystrophy-dystroglycanopathy (congenital with impaired intellectual development), type B, 1; Walker-Warburg congenital muscular dystrophy; Autosomal recessive limb-girdle muscular dystrophy type 2K. Last evaluated: 2026-02-04. Review status: criteria provided, single submitter. Criteria: Invitae Variant Classification Sherloc (09022015). Collection method: clinical testing. Allele origin: germline.

Blueprint Genetics
Classification: Benign. Last evaluated: 2024-11-27. Review status: criteria provided, single submitter. Criteria: ACMG Guidelines, 2015. Collection method: clinical testing. Allele origin: germline.

Genome-Nilou Lab
Classification: Benign for Muscular dystrophy-dystroglycanopathy (congenital with brain and eye anomalies), type A1. Last evaluated: 2021-10-25. Review status: criteria provided, single submitter. Criteria: ACMG Guidelines, 2015. Collection method: clinical testing. Allele origin: germline. Affected: no.

Genome-Nilou Lab
Classification: Benign for Muscular dystrophy-dystroglycanopathy (congenital with impaired intellectual development), type B, 1. Last evaluated: 2021-10-25. Review status: criteria provided, single submitter. Criteria: ACMG Guidelines, 2015. Collection method: clinical testing. Allele origin: germline. Affected: no.

Genome-Nilou Lab
Classification: Benign for Autosomal recessive limb-girdle muscular dystrophy type 2K. Last evaluated: 2021-10-25. Review status: criteria provided, single submitter. Criteria: ACMG Guidelines, 2015. Collection method: clinical testing. Allele origin: germline. Affected: no.

GeneDx
Classification: Benign. Last evaluated: 2013-12-19. Review status: criteria provided, single submitter. Criteria: GeneDx Variant Classification (06012015). Collection method: clinical testing. Allele origin: germline. Affected: yes.
Comment: This variant is considered likely benign or benign based on one or more of the following criteria: it is a conservative change, it occurs at a poorly conserved position in the protein, it is predicted to be benign by multiple in silico algorithms, and/or has population frequency not consistent with disease.

Eurofins Ntd Llc (ga)
Classification: Benign. Last evaluated: 2012-07-24. Review status: criteria provided, single submitter. Criteria: EGL Classification Definitions 2015. Collection method: clinical testing. Allele origin: germline. Observed: 15 variant alleles, 14 heterozygotes, 1 homozygote.

Breakthrough Genomics
Classification: Benign. Review status: criteria provided, single submitter. Criteria: ACMG Guidelines, 2015. Collection method: not provided. Allele origin: germline. Inheritance: Autosomal recessive inheritance. Affected: yes.

PreventionGenetics, part of Exact Sciences
Classification: Benign. Review status: criteria provided, single submitter. Criteria: ACMG Guidelines, 2015. Collection method: clinical testing. Allele origin: germline.

Clinical Genetics DNA and cytogenetics Diagnostics Lab, Erasmus MC, Erasmus Medical Center
Classification: Benign. Review status: no assertion criteria provided. Collection method: clinical testing. Allele origin: germline. Affected: yes. Study: VKGL Data-share Consensus. Not counted in ClinVar's aggregate classification.

Clinical Genetics, Academic Medical Center
Classification: Benign. Review status: no assertion criteria provided. Collection method: clinical testing. Allele origin: germline. Affected: yes. Study: VKGL Data-share Consensus. Not counted in ClinVar's aggregate classification.

Joint Genome Diagnostic Labs from Nijmegen and Maastricht, Radboudumc and MUMC+
Classification: Benign. Review status: no assertion criteria provided. Collection method: clinical testing. Allele origin: germline. Affected: yes. Study: VKGL Data-share Consensus. Not counted in ClinVar's aggregate classification.

NM_001077365.2(POMT1):c.1082+16G>A

Gene: POMT1 (protein O-mannosyltransferase 1; plus strand). Cytogenetic location: 9q34.13.
Variant type: single nucleotide variant.
Coding change: c.1082+16G>A on transcript NM_001077365.2 (MANE Select); 16 bases into the intron after coding-DNA position 1082, G replaced by A.
Molecular consequence: intron variant.
Genome position (GRCh38, 1-based): chr9:131,512,152, G>A. VCF-style: chr9-131512152-G-A. GRCh37 (hg19) VCF-style: chr9-134387539-G-A.
Other names: c.986+16G>A (NM_001353198.2, NM_001353197.2); c.1148+16G>A (NM_001353193.2, NM_007171.4); c.1082+16G>A (NM_001136113.2, NM_001374690.1); c.920+16G>A (NM_001353194.2, NM_001077366.2); c.731+16G>A (NM_001374691.1, NM_001353195.2, NM_001374692.1 and 1 more transcripts); c.992+16G>A (NM_001353196.2); c.692+16G>A (NM_001374695.1); c.1070+16G>A (NM_001374689.1); and 3 more.
Identifiers: ClinVar variation 95451 (VCV000095451.22), dbSNP rs59515295, ClinGen allele CA148546.